The following is an entry in ClinVar:

ClinVar aggregate classification (germline): Pathogenic (1 of 4 stars; one submission).

Submission:

Labcorp Genetics (formerly Invitae), Labcorp
Classification: Pathogenic. Last evaluated: 2018-06-14. Review status: criteria provided, single submitter. Criteria: Invitae Variant Classification Sherloc (09022015). Collection method: clinical testing. Allele origin: germline.
Comment: This sequence change creates a premature translational stop signal (p.Tyr3247*) in the VCAN gene. It is expected to result in an absent or disrupted protein product. This variant is not present in population databases (ExAC no frequency). This variant has not been reported in the literature in individuals with VCAN-related disease. Loss-of-function variants in VCAN are known to be pathogenic (PMID: 16043844). For these reasons, this variant has been classified as Pathogenic.

Literature cited by the submitters: PubMed 16043844.

NM_004385.5(VCAN):c.9740_9741del (p.Gln3246_Tyr3247insTer)

Gene: VCAN (versican; plus strand). Cytogenetic location: 5q14.3.
Variant type: Deletion.
Coding change: c.9740_9741del on transcript NM_004385.5 (MANE Select); coding-DNA positions 9740 to 9741, 2 bases deleted (AC; older notation c.9740_9741delAC).
Protein change: p.Gln3246_Tyr3247insTer.
Molecular consequence: nonsense.
Genome position (GRCh38, 1-based): chr5:83,572,420-83,572,421, AC deleted. VCF-style (leftmost placement, unchanged base first): chr5-83572419-TAC-T. GRCh37 (hg19) VCF-style: chr5-82868238-TAC-T.
Other names: c.1517_1518del, p.Gln505_Tyr506insTer (NM_001126336.3); c.6779_6780del, p.Gln2259_Tyr2260insTer (NM_001164097.2); c.4478_4479del, p.Gln1492_Tyr1493insTer (NM_001164098.2).
Identifiers: ClinVar variation 1070172 (VCV001070172.2), dbSNP rs2112499273, ClinGen allele CA2499217969.